The following is an entry in ClinVar:

NM_000719.7(CACNA1C):c.2316G>T (p.Glu772Asp)

Gene: CACNA1C (calcium voltage-gated channel subunit alpha1 C; plus strand). Cytogenetic location: 12p13.33.
Variant type: single nucleotide variant.
Coding change: c.2316G>T on transcript NM_000719.7 (MANE Select); coding-DNA position 2316, G replaced by T.
Protein change: p.Glu772Asp; replaces glutamic acid 772 with aspartic acid.
Molecular consequence: missense variant.
Genome position (GRCh38, 1-based): chr12:2,584,594, G>T. VCF-style: chr12-2584594-G-T. GRCh37 (hg19) VCF-style: chr12-2693760-G-T.
Other names: c.2316G>T, p.Glu772Asp (NM_001129827.2, NM_001129829.2, NM_001129830.3 and 18 more transcripts); c.2307G>T, p.Glu769Asp (NM_001129844.2); short protein forms E772D, E769D.
Identifiers: ClinVar variation 526943 (VCV000526943.10), dbSNP rs1219744448, ClinGen allele CA383371539.

ClinVar aggregate classification (germline): Uncertain significance. Review status: criteria provided, multiple submitters, no conflicts (2 of 4 stars). 2 submissions from 2 submitters: Uncertain significance (2). Last evaluated 2025-10-12.

Conditions:
Long QT syndrome (LQTS). Identifiers: MedGen C0023976, MeSH D008133, MONDO:0002442. Disease mechanism: loss of function. Inheritance: Various modes of inheritance.
Cardiovascular phenotype. Identifiers: MedGen CN230736.

Allele frequency attached by ClinVar (database versions not stated): gnomAD exomes below 0.00001; TOPMed below 0.00001.
gnomAD v4.1: 2 of 1,613,196 alleles (0.00012%); highest among the groups gnomAD compares: Non-Finnish European, 0.00017%; no homozygotes.

Submissions (2):

Labcorp Genetics (formerly Invitae), Labcorp
Classification: Uncertain significance for Long QT syndrome. Last evaluated: 2025-10-12. Review status: criteria provided, single submitter. Criteria: Invitae Variant Classification Sherloc (09022015). Collection method: clinical testing. Allele origin: germline.
Comment: This sequence change replaces glutamic acid, which is acidic and polar, with aspartic acid, which is acidic and polar, at codon 772 of the CACNA1C protein (p.Glu772Asp). This variant is present in population databases (no rsID available, gnomAD 0.0009%). This variant has not been reported in the literature in individuals affected with CACNA1C-related conditions. ClinVar contains an entry for this variant (Variation ID: 526943). Invitae Evidence Modeling of protein sequence and biophysical properties (such as structural, functional, and spatial information, amino acid conservation, physicochemical variation, residue mobility, and thermodynamic stability) has been performed for this missense variant. However, the output from this modeling did not meet the statistical confidence thresholds required to predict the impact of this variant on CACNA1C protein function. In summary, the available evidence is currently insufficient to determine the role of this variant in disease. Therefore, it has been classified as a Variant of Uncertain Significance.

Ambry Genetics
Classification: Uncertain significance for Cardiovascular phenotype. Last evaluated: 2023-11-16. Review status: criteria provided, single submitter. Criteria: Ambry Variant Classification Scheme 2023. Collection method: clinical testing. Allele origin: germline.
Comment: The p.E772D variant (also known as c.2316G>T), located in coding exon 16 of the CACNA1C gene, results from a G to T substitution at nucleotide position 2316. The glutamic acid at codon 772 is replaced by aspartic acid, an amino acid with highly similar properties. This amino acid position is highly conserved in available vertebrate species. In addition, the in silico prediction for this alteration is inconclusive. Since supporting evidence is limited at this time, the clinical significance of this alteration remains unclear.